The following is an entry in ClinVar:

ClinVar aggregate classification (germline): Conflicting classifications of pathogenicity. Review status: criteria provided, conflicting classifications (1 of 4 stars). 5 submissions from 5 submitters: Uncertain significance (3); Likely benign (1). 1 of the submissions does not count toward it. Last evaluated 2024-12-04.

Conditions:
Hereditary cancer-predisposing syndrome. Also called: Hereditary neoplastic syndrome; Tumor predisposition; Hereditary Cancer Syndrome; Neoplastic Syndromes, Hereditary. Identifiers: Orphanet 140162, MedGen C0027672, MeSH D009386, MONDO:0015356.
Microcephaly, normal intelligence and immunodeficiency (NBS). Also called: BERLIN BREAKAGE SYNDROME; SEEMANOVA SYNDROME II; Ataxia telangiectasia variant V1; IMMUNODEFICIENCY, MICROCEPHALY, AND CHROMOSOMAL INSTABILITY; Immunodeficiency, microcephaly with normal intelligence; Nijmegen breakage syndrome. Identifiers: Orphanet 647, MedGen C0398791, MONDO:0009623, OMIM 251260.

Allele frequency attached by ClinVar (database versions not stated): TOPMed below 0.00001.

Submissions (5):

Ambry Genetics
Classification: Likely benign for Hereditary cancer-predisposing syndrome. Last evaluated: 2024-12-04. Review status: criteria provided, single submitter. Criteria: Ambry Variant Classification Scheme 2023. Collection method: clinical testing. Allele origin: germline.

Labcorp Genetics (formerly Invitae), Labcorp
Classification: Uncertain significance for Microcephaly, normal intelligence and immunodeficiency. Last evaluated: 2022-08-09. Review status: criteria provided, single submitter. Criteria: Invitae Variant Classification Sherloc (09022015). Collection method: clinical testing. Allele origin: germline.
Comment: This sequence change replaces aspartic acid, which is acidic and polar, with glycine, which is neutral and non-polar, at codon 469 of the NBN protein (p.Asp469Gly). This variant is not present in population databases (gnomAD no frequency). This variant has not been reported in the literature in individuals affected with NBN-related conditions. ClinVar contains an entry for this variant (Variation ID: 575266). Algorithms developed to predict the effect of missense changes on protein structure and function (SIFT, PolyPhen-2, Align-GVGD) all suggest that this variant is likely to be tolerated. In summary, the available evidence is currently insufficient to determine the role of this variant in disease. Therefore, it has been classified as a Variant of Uncertain Significance.

Genome-Nilou Lab
Classification: Uncertain significance for Microcephaly, normal intelligence and immunodeficiency. Last evaluated: 2021-11-07. Review status: criteria provided, single submitter. Criteria: ACMG Guidelines, 2015. Collection method: clinical testing. Allele origin: germline. Affected: no.

Illumina Laboratory Services, Illumina
Classification: Uncertain significance for Microcephaly, normal intelligence and immunodeficiency. Last evaluated: 2018-04-20. Review status: criteria provided, single submitter. Criteria: ICSL Variant Classification Criteria 13 December 2019. Collection method: clinical testing. Allele origin: germline.

Natera, Inc.
Classification: Uncertain significance for Nijmegen breakage syndrome. Last evaluated: 2020-09-16. Review status: no assertion criteria provided. Collection method: clinical testing. Allele origin: germline. Not counted in ClinVar's aggregate classification.

NM_002485.5(NBN):c.1406A>G (p.Asp469Gly)

Gene: NBN (nibrin; minus strand). Cytogenetic location: 8q21.3.
Variant type: single nucleotide variant.
Coding change: c.1406A>G on transcript NM_002485.5 (MANE Select); coding-DNA position 1406, A replaced by G.
Protein change: p.Asp469Gly; replaces aspartic acid 469 with glycine.
Molecular consequence: missense variant.
Genome position (GRCh38, 1-based): chr8:89,953,683, T>C on the plus strand (A>G on the coding strand, the complement: NBN is on the minus strand). VCF-style: chr8-89953683-T-C. GRCh37 (hg19) VCF-style: chr8-90965911-T-C.
Other names: c.1160A>G, p.Asp387Gly (NM_001024688.3); short protein forms D469G, D387G.
Identifiers: ClinVar variation 575266 (VCV000575266.19), dbSNP rs780365310, ClinGen allele CA371655921.
Genomic context (GRCh38, chr8:89,953,683, plus strand): 5'-AGAGAACAAGACGTTTCTATTCTTGCTGATTTGCATGAAGACATTTCTTGATTTTCTTCA[T>C]CCCTTTCCCTTAGATTTAAAAAAAAAGAAGAAAACAAAACAAGAAAATGAACACAGCTAA-3'
Protein context (NP_002476.2, residues 459-479): FQPSTKKRER[Asp469Gly]EENQEMSSCK